The following is an entry in ClinVar:

ClinVar aggregate classification (germline): Benign (0 of 4 stars; one submission).

Conditions:
MST1R-related disorder. Also called: MST1R-related condition.

Allele frequency attached by ClinVar (database versions not stated): ESP Exome Variant Server 0.00077; TOPMed 0.00082; gnomAD 0.00089; 1000 Genomes Project 30x 0.00125; 1000 Genomes Project 0.00140.
gnomAD v4.1: 1,893 of 1,614,220 alleles (0.12%); highest among the groups gnomAD compares: Middle Eastern, 1.7%; 15 homozygotes.

Submission:

PreventionGenetics, part of Exact Sciences
Classification: Benign for MST1R-related condition. Last evaluated: 2020-01-12. Review status: no assertion criteria provided. Collection method: clinical testing. Allele origin: germline.
Comment: This variant is classified as benign based on ACMG/AMP sequence variant interpretation guidelines (Richards et al. 2015 PMID: 25741868, with internal and published modifications).

NM_002447.4(MST1R):c.1301C>T (p.Ser434Leu)

Gene: MST1R (macrophage stimulating 1 receptor; minus strand). Cytogenetic location: 3p21.31.
Variant type: single nucleotide variant.
Coding change: c.1301C>T on transcript NM_002447.4 (MANE Select); coding-DNA position 1301, C replaced by T.
Protein change: p.Ser434Leu; replaces serine 434 with leucine.
Molecular consequence: missense variant. On other transcripts: non-coding transcript variant (1), intron variant (1).
Genome position (GRCh38, 1-based): chr3:49,899,193, G>A on the plus strand (C>T on the coding strand, the complement: MST1R is on the minus strand). VCF-style: chr3-49899193-G-A. GRCh37 (hg19) VCF-style: chr3-49936626-G-A.
Other names: c.1301C>T, p.Ser434Leu (NM_001244937.3); c.1231-505C>T (NM_001318913.2); short protein forms S434L.
Identifiers: ClinVar variation 3039935 (VCV003039935.2), dbSNP rs2230591, ClinGen allele CA2409263.